The following is an entry in ClinVar:

NM_001715.3(BLK):c.344G>A (p.Arg115Gln)

Gene: BLK (BLK proto-oncogene, Src family tyrosine kinase). Cytogenetic location: 8p23.1.
Variant type: single nucleotide variant.
Coding change: c.344G>A on transcript NM_001715.3 (MANE Select); coding-DNA position 344, G replaced by A.
Protein change: p.Arg115Gln; replaces arginine 115 with glutamine.
Molecular consequence: missense variant.
Genome position (GRCh38, 1-based): chr8:11,549,098, G>A. VCF-style: chr8-11549098-G-A. GRCh37 (hg19) VCF-style: chr8-11406607-G-A.
Other names: c.131G>A, p.Arg44Gln (NM_001330465.2); short protein forms R115Q, R44Q.
Identifiers: ClinVar variation 619209 (VCV000619209.4), dbSNP rs367628135, ClinGen allele CA4629836.

ClinVar aggregate classification (germline): Uncertain significance. Review status: criteria provided, single submitter (1 of 4 stars). 2 submissions from 2 submitters: Uncertain significance (1). 1 of the submissions does not count toward it. Last evaluated 2024-01-19.

Conditions:
Systemic lupus erythematosus (SLE). Identifiers: Orphanet 536, MedGen C0024141, MONDO:0007915, OMIM 152700, HP:0002725.

Allele frequency attached by ClinVar (database versions not stated): ExAC 0.00001; gnomAD exomes 0.00002; gnomAD 0.00004 and 0.00005; TOPMed 0.00005; ESP Exome Variant Server 0.00008.
gnomAD v4.1: 43 of 1,609,342 alleles (0.0027%); highest among the groups gnomAD compares: African/African-American, 0.011%; no homozygotes.

Submissions (2):

Labcorp Genetics (formerly Invitae), Labcorp
Classification: Uncertain significance. Last evaluated: 2024-01-19. Review status: criteria provided, single submitter. Criteria: Invitae Variant Classification Sherloc (09022015). Collection method: clinical testing. Allele origin: germline.
Comment: This sequence change replaces arginine, which is basic and polar, with glutamine, which is neutral and polar, at codon 115 of the BLK protein (p.Arg115Gln). The frequency data for this variant in the population databases is considered unreliable, as metrics indicate poor data quality at this position in the gnomAD database. This variant has not been reported in the literature in individuals affected with BLK-related conditions. ClinVar contains an entry for this variant (Variation ID: 619209). Algorithms developed to predict the effect of missense changes on protein structure and function output the following: SIFT: "Not Available"; PolyPhen-2: "Benign"; Align-GVGD: "Not Available". The glutamine amino acid residue is found in multiple mammalian species, which suggests that this missense change does not adversely affect protein function. Experimental studies have shown that this missense change does not substantially affect BLK function (PMID: 31101814). In summary, the available evidence is currently insufficient to determine the role of this variant in disease. Therefore, it has been classified as a Variant of Uncertain Significance.

Carola Vinuesa Lab, John Curtin School of Medical Research
Classification: Benign for Systemic lupus erythematosus. Review status: no assertion criteria provided. Collection method: research. Allele origin: germline. Affected: no. Not counted in ClinVar's aggregate classification.

Literature cited by the submitters: PubMed 31101814 (cited by Labcorp Genetics (formerly Invitae), Labcorp).